The following is an entry in ClinVar:

ClinVar aggregate classification (germline): Uncertain significance (1 of 4 stars; one submission).

Conditions:
Inborn genetic diseases. Identifiers: MedGen C0950123, MeSH D030342.

Submission:

Ambry Genetics
Classification: Uncertain significance for Inborn genetic diseases. Last evaluated: 2024-11-12. Review status: criteria provided, single submitter. Criteria: Ambry Variant Classification Scheme 2023. Collection method: clinical testing. Allele origin: germline.
Comment: The c.567G>T (p.E189D) alteration is located in exon 1 (coding exon 1) of the NPR2 gene. This alteration results from a G to T substitution at nucleotide position 567, causing the glutamic acid (E) at amino acid position 189 to be replaced by an aspartic acid (D). This variant was not reported in population-based cohorts in the Genome Aggregation Database (gnomAD). This amino acid position is not well conserved in available vertebrate species. This alteration is predicted to be tolerated by in silico analysis. Based on insufficient or conflicting evidence, the clinical significance of this alteration remains unclear.

NM_003995.4(NPR2):c.567G>T (p.Glu189Asp)

Gene: NPR2 (natriuretic peptide receptor 2; plus strand). Cytogenetic location: 9p13.3.
Variant type: single nucleotide variant.
Coding change: c.567G>T on transcript NM_003995.4 (MANE Select); coding-DNA position 567, G replaced by T.
Protein change: p.Glu189Asp; replaces glutamic acid 189 with aspartic acid.
Molecular consequence: missense variant.
Genome position (GRCh38, 1-based): chr9:35,792,975, G>T. VCF-style: chr9-35792975-G-T. GRCh37 (hg19) VCF-style: chr9-35792972-G-T.
Other names: c.567G>T, p.Glu189Asp (NM_001378923.1); short protein forms E189D.
Identifiers: ClinVar variation 3407472 (VCV003407472.1).